The following is an entry in ClinVar:

ClinVar aggregate classification (germline): Pathogenic (1 of 4 stars; one submission).

Conditions:
Multiple gastrointestinal atresias. Also called: FAMILIAL INTESTINAL POLYATRESIA SYNDROME; Multiple intestinal atresia. Identifiers: Orphanet 2300, MedGen C0220744, MONDO:0009465.

Submission:

Labcorp Genetics (formerly Invitae), Labcorp
Classification: Pathogenic for Multiple gastrointestinal atresias. Last evaluated: 2020-08-23. Review status: criteria provided, single submitter. Criteria: Invitae Variant Classification Sherloc (09022015). Collection method: clinical testing. Allele origin: germline.
Comment: This sequence change creates a premature translational stop signal (p.Leu189*) in the TTC7A gene. It is expected to result in an absent or disrupted protein product. For these reasons, this variant has been classified as Pathogenic. Loss-of-function variants in TTC7A are known to be pathogenic (PMID: 23830146, 24292712). This variant has not been reported in the literature in individuals with TTC7A-related conditions. This variant is not present in population databases (ExAC no frequency).

Literature cited by the submitters: PubMed 23830146; PubMed 24292712.

NM_020458.4(TTC7A):c.565del (p.Arg188_Leu189insTer)

Genes: TTC7A (tetratricopeptide repeat domain 7A; plus strand), LOC126806211 (CDK7 strongly-dependent group 2 enhancer GRCh37_chr2:47201305-47202504; plus strand). Cytogenetic location: 2p21.
Variant type: Deletion.
Coding change: c.565del on transcript NM_020458.4 (MANE Select); coding-DNA position 565, one base deleted (C; older notation c.565delC).
Protein change: p.Arg188_Leu189insTer.
Molecular consequence: nonsense. On other transcripts: 5 prime UTR variant (1).
Genome position (GRCh38, 1-based): chr2:46,975,020, C deleted; the last of 2 consecutive C bases (chr2:46,975,019-46,975,020); deleting either gives the same sequence. VCF-style (leftmost placement, unchanged base first): chr2-46975018-GC-G. GRCh37 (hg19) VCF-style: chr2-47202157-GC-G.
Other names: c.565del, p.Arg188_Leu189insTer (NM_001288951.2); c.463del, p.Arg154_Leu155insTer (NM_001288953.2); c.-340del (NM_001288955.2).
Identifiers: ClinVar variation 1069120 (VCV001069120.7), dbSNP rs2104231304, ClinGen allele CA2499215971.